The following is an entry in ClinVar:

NM_138713.4(NFAT5):c.2542A>G (p.Ile848Val)

Gene: NFAT5 (nuclear factor of activated T cells 5; plus strand). Cytogenetic location: 16q22.1.
Variant type: single nucleotide variant.
Coding change: c.2542A>G on transcript NM_138713.4 (MANE Select); coding-DNA position 2542, A replaced by G.
Protein change: p.Ile848Val; replaces isoleucine 848 with valine.
Molecular consequence: missense variant.
Genome position (GRCh38, 1-based): chr16:69,692,367, A>G. VCF-style: chr16-69692367-A-G. GRCh37 (hg19) VCF-style: chr16-69726270-A-G.
Other names: c.2539A>G, p.Ile847Val (NM_001113178.3); c.1867A>G, p.Ile623Val (NM_001367709.1); c.2488A>G, p.Ile830Val (NM_006599.4); c.2260A>G, p.Ile754Val (NM_138714.4, NM_173214.3, NM_173215.3); c.2542A>G (NM_138713.3); short protein forms I847V, I754V, I623V, I830V, I848V.
Identifiers: ClinVar variation 1361616 (VCV001361616.7), dbSNP rs1442970520, ClinGen allele CA396510044.

ClinVar aggregate classification (germline): Uncertain significance. Review status: criteria provided, multiple submitters, no conflicts (2 of 4 stars). 2 submissions from 2 submitters: Uncertain significance (2). Last evaluated 2025-10-22.

Conditions:
Immunodeficiency. Identifiers: MedGen C0021051, MONDO:0021094, HP:0002721.

Allele frequency attached by ClinVar (database versions not stated): gnomAD exomes below 0.00001; gnomAD 0.00001.
gnomAD v4.1: 7 of 1,614,016 alleles (0.00043%); highest among the groups gnomAD compares: African/African-American, 0.0013%; no homozygotes.

Submissions (2):

Ambry Genetics
Classification: Uncertain significance. Last evaluated: 2025-10-22. Review status: criteria provided, single submitter. Criteria: Ambry Variant Classification Scheme 2023. Collection method: clinical testing. Allele origin: germline.

Labcorp Genetics (formerly Invitae), Labcorp
Classification: Uncertain significance for Immunodeficiency. Last evaluated: 2022-08-27. Review status: criteria provided, single submitter. Criteria: Invitae Variant Classification Sherloc (09022015). Collection method: clinical testing. Allele origin: germline.
Comment: In summary, the available evidence is currently insufficient to determine the role of this variant in disease. Therefore, it has been classified as a Variant of Uncertain Significance. Algorithms developed to predict the effect of missense changes on protein structure and function are either unavailable or do not agree on the potential impact of this missense change (SIFT: "Deleterious"; PolyPhen-2: "Probably Damaging"; Align-GVGD: "Class C0"). ClinVar contains an entry for this variant (Variation ID: 1361616). This variant has not been reported in the literature in individuals affected with NFAT5-related conditions. This variant is not present in population databases (gnomAD no frequency). This sequence change replaces isoleucine, which is neutral and non-polar, with valine, which is neutral and non-polar, at codon 754 of the NFAT5 protein (p.Ile754Val).